The following is an entry in ClinVar:

NM_152703.5(SAMD9L):c.2734C>G (p.Gln912Glu)

Gene: SAMD9L (sterile alpha motif domain containing 9 like; minus strand). Cytogenetic location: 7q21.2.
Variant type: single nucleotide variant.
Coding change: c.2734C>G on transcript NM_152703.5 (MANE Select); coding-DNA position 2734, C replaced by G.
Protein change: p.Gln912Glu; replaces glutamine 912 with glutamic acid.
Molecular consequence: missense variant.
Genome position (GRCh38, 1-based): chr7:93,133,238, G>C on the plus strand (C>G on the coding strand, the complement: SAMD9L is on the minus strand). VCF-style: chr7-93133238-G-C. GRCh37 (hg19) VCF-style: chr7-92762551-G-C.
Other names: c.2734C>G (NM_152703.2); c.2734C>G, p.Gln912Glu (NM_001303496.3, NM_001303497.3, NM_001303498.3 and 5 more transcripts); short protein forms Q912E.
Identifiers: ClinVar variation 2577899 (VCV002577899.3), dbSNP rs2535417968, ClinGen allele CA368186522.

ClinVar aggregate classification (germline): Uncertain significance. Review status: criteria provided, multiple submitters, no conflicts (2 of 4 stars). 3 submissions from 3 submitters: Uncertain significance (3). Last evaluated 2026-05-14.

Conditions:
Monosomy 7 myelodysplasia and leukemia syndrome 1. Also called: Familial Mosaic Monosomy 7 Syndrome; Monosomy 7 of bone marrow; CHROMOSOME 7q DELETION. Identifiers: MedGen C1854978, MONDO:0009646, OMIM 252270.
Inborn genetic diseases. Identifiers: MedGen C0950123, MeSH D030342.
Ataxia-pancytopenia syndrome (ATXPC). Also called: SAMD9L Ataxia-Pancytopenia Syndrome; SAMD9L-Related Syndrome. Identifiers: Orphanet 2585, MedGen C1327919, MONDO:0008038, OMIM 159550.

Submissions (3):

Ambry Genetics
Classification: Uncertain significance for Inborn genetic diseases. Last evaluated: 2026-05-14. Review status: criteria provided, single submitter. Criteria: Ambry Variant Classification Scheme 2023. Collection method: clinical testing. Allele origin: germline.
Comment: The p.Q912E variant (also known as c.2734C>G), located in coding exon 1 of the SAMD9L gene, results from a C to G substitution at nucleotide position 2734. The glutamine at codon 912 is replaced by glutamic acid, an amino acid with highly similar properties. This amino acid position is conserved. In addition, this alteration is predicted to be tolerated by in silico analysis. Based on the available evidence, the clinical significance of this variant remains unclear.

Baylor Genetics
Classification: Uncertain significance for Ataxia-pancytopenia syndrome. Last evaluated: 2023-09-01. Review status: criteria provided, single submitter. Criteria: ACMG Guidelines, 2015. Collection method: clinical testing. Allele origin: unknown.

St. Jude Molecular Pathology, St. Jude Children's Research Hospital
Classification: Uncertain significance for Monosomy 7 myelodysplasia and leukemia syndrome 1. Last evaluated: 2023-06-22. Review status: criteria provided, single submitter. Criteria: St. Jude Assertion Criteria 2020. Collection method: clinical testing. Allele origin: germline.
Comment: The SAMD9L c.2734C>G (p.Gln912Glu) missense change is absent in gnomAD v2.1.1. The in silico tool REVEL predicts a benign effect on protein function, but to our knowledge this prediction has not been confirmed by functional studies. In silico predictions have not been found to correlate with syndromic risk and are not considered supporting evidence of a pathogenic or benign effect (PMID: 34621053). To our knowledge, this variant has not been reported in individuals with SAMD9L-related disease. In summary, the evidence currently available is insufficient to determine the clinical significance of this variant. It has therefore been classified as of uncertain significance.